The following is an entry in ClinVar:

NM_001430.5(EPAS1):c.1012A>G (p.Met338Val)

Gene: EPAS1 (endothelial PAS domain protein 1; plus strand). Cytogenetic location: 2p21.
Variant type: single nucleotide variant.
Coding change: c.1012A>G on transcript NM_001430.5 (MANE Select); coding-DNA position 1012, A replaced by G.
Protein change: p.Met338Val; replaces methionine 338 with valine.
Molecular consequence: missense variant.
Genome position (GRCh38, 1-based): chr2:46,375,815, A>G. VCF-style: chr2-46375815-A-G. GRCh37 (hg19) VCF-style: chr2-46602954-A-G.
Other names: short protein forms M338V.
Identifiers: ClinVar variation 1733113 (VCV001733113.2), dbSNP rs2546470385, ClinGen allele CA346702965.

ClinVar aggregate classification (germline): Uncertain significance (1 of 4 stars; one submission).

Conditions:
Inborn genetic diseases. Identifiers: MedGen C0950123, MeSH D030342.

Allele frequency attached by ClinVar (database versions not stated): gnomAD exomes below 0.00001.
gnomAD v4.1: 1 of 1,614,176 alleles (0.000062%); highest among the groups gnomAD compares: Non-Finnish European, 0.000085%; no homozygotes.

Submission:

Ambry Genetics
Classification: Uncertain significance for Inborn genetic diseases. Last evaluated: 2021-08-13. Review status: criteria provided, single submitter. Criteria: Ambry Variant Classification Scheme 2023. Collection method: clinical testing. Allele origin: germline.
Comment: The p.M338V variant (also known as c.1012A>G), located in coding exon 8 of the EPAS1 gene, results from an A to G substitution at nucleotide position 1012. The methionine at codon 338 is replaced by valine, an amino acid with highly similar properties. This amino acid position is conserved. In addition, this alteration is predicted to be tolerated by in silico analysis. Since supporting evidence is limited at this time, the clinical significance of this alteration remains unclear.